The following is an entry in ClinVar:

NM_000535.7(PMS2):c.989-19G>A

Gene: PMS2 (PMS1 homolog 2, mismatch repair system component; minus strand). Cytogenetic location: 7p22.1.
Variant type: single nucleotide variant.
Coding change: c.989-19G>A on transcript NM_000535.7 (MANE Select); 19 bases into the intron before coding-DNA position 989, G replaced by A.
Molecular consequence: intron variant.
Genome position (GRCh38, 1-based): chr7:5,989,974, C>T on the plus strand (G>A on the coding strand, the complement: PMS2 is on the minus strand). VCF-style: chr7-5989974-C-T. GRCh37 (hg19) VCF-style: chr7-6029605-C-T.
Other names: c.671-19G>A (NM_001322008.2, NM_001406883.1, NM_001406903.1 and 2 more transcripts); c.680-19G>A (NM_001406881.1, NM_001406879.1, NM_001322015.2 and 5 more transcripts); c.584-19G>A (NM_001406895.1, NM_001322004.2, NM_001406889.1 and 16 more transcripts); c.218-19G>A (NM_001406911.1); c.583+1999G>A (NM_001322010.2, NM_001406906.1, NM_001406907.1); c.670+1999G>A (NM_001406902.1, NM_001406901.1); c.476-19G>A (NM_001406904.1, NM_001406905.1); c.416-19G>A (NM_001322013.2, NM_001406909.1); and 13 more.
Identifiers: ClinVar variation 2731005 (VCV002731005.4), dbSNP rs2128749237, ClinGen allele CA2681676967.

ClinVar aggregate classification (germline): Likely benign. Review status: criteria provided, multiple submitters, no conflicts (2 of 4 stars). 2 submissions from 2 submitters: Likely benign (2). Last evaluated 2025-01-29.

Conditions:
Lynch syndrome 4 (LYNCH4). Also called: Colorectal cancer, hereditary nonpolyposis, type 4; Hereditary non-polyposis colorectal cancer, type 4. Identifiers: Orphanet 144, MedGen C1838333, MONDO:0013699, OMIM 614337. Disease mechanism: loss of function.
Hereditary nonpolyposis colorectal neoplasms. Identifiers: MedGen C0009405, MeSH D003123.

gnomAD v4.1: 1 of 1,493,262 alleles (0.000067%); no homozygotes.

Submissions (2):

Myriad Genetics, Inc.
Classification: Likely benign for Lynch syndrome 4. Last evaluated: 2025-01-29. Review status: criteria provided, single submitter. Criteria: Myriad Autosomal Dominant, Autosomal Recessive and X-Linked Classification Criteria (2023). Collection method: clinical testing. Allele origin: unknown.
Comment: This variant is considered likely benign. This variant is intronic and is not expected to impact mRNA splicing.

Labcorp Genetics (formerly Invitae), Labcorp
Classification: Likely benign for Hereditary nonpolyposis colorectal neoplasms. Last evaluated: 2024-12-15. Review status: criteria provided, single submitter. Criteria: Invitae Variant Classification Sherloc (09022015). Collection method: clinical testing. Allele origin: germline.